The following is an entry in ClinVar:

NM_001105206.3(LAMA4):c.141G>A (p.Pro47=)

Genes: LAMA4-AS1 (LAMA4 antisense RNA 1; plus strand), LAMA4 (laminin subunit alpha 4; minus strand). Cytogenetic location: 6q21.
Variant type: single nucleotide variant.
Coding change: c.141G>A on transcript NM_001105206.3 (MANE Select); coding-DNA position 141, G replaced by A.
Protein change: p.Pro47=; no amino-acid change (proline 47 retained).
Molecular consequence: synonymous variant.
Genome position (GRCh38, 1-based): chr6:112,254,010, C>T on the plus strand (G>A on the coding strand, the complement: LAMA4 is on the minus strand). VCF-style: chr6-112254010-C-T. GRCh37 (hg19) VCF-style: chr6-112575212-C-T.
Other names: p.P47P:CCG>CCA; c.141G>A, p.Pro47= (NM_001105207.3, NM_001105208.3, NM_001105209.3 and 1 more transcripts).
Identifiers: ClinVar variation 213574 (VCV000213574.19), dbSNP rs141926228, ClinGen allele CA320681.

ClinVar aggregate classification (germline): Benign/Likely benign. Review status: criteria provided, multiple submitters, no conflicts (2 of 4 stars). 6 submissions from 6 submitters: Benign (1); Likely benign (4). 1 of the submissions does not count toward it. Last evaluated 2026-01-14.

Conditions:
LAMA4-related disorder. Also called: LAMA4-related condition.
Cardiovascular phenotype. Identifiers: MedGen CN230736.
Dilated cardiomyopathy 1JJ (CMD1JJ). Identifiers: Orphanet 154, MedGen C3808935, MONDO:0014095, OMIM 615235.

Allele frequency attached by ClinVar (database versions not stated): TOPMed 0.00031; gnomAD 0.00035; ESP Exome Variant Server 0.00039.
gnomAD v4.1: 89 of 1,587,854 alleles (0.0056%); highest among the groups gnomAD compares: African/African-American, 0.11%; no homozygotes.

Submissions (6):

Labcorp Genetics (formerly Invitae), Labcorp
Classification: Likely benign for Dilated cardiomyopathy 1JJ. Last evaluated: 2026-01-14. Review status: criteria provided, single submitter. Criteria: Invitae Variant Classification Sherloc (09022015). Collection method: clinical testing. Allele origin: germline.

Ambry Genetics
Classification: Likely benign for Cardiovascular phenotype. Last evaluated: 2018-10-28. Review status: criteria provided, single submitter. Criteria: Ambry Variant Classification Scheme 2023. Collection method: clinical testing. Allele origin: germline.

Laboratory for Molecular Medicine, Mass General Brigham Personalized Medicine
Classification: Likely benign. Last evaluated: 2015-07-29. Review status: criteria provided, single submitter. Criteria: LMM Criteria. Collection method: clinical testing. Allele origin: germline. Observed: 1 variant allele.
Comment: p.Pro47Pro in exon 2 of LAMA4: This variant is not expected to have clinical sig nificance because it does not alter an amino acid residue and is not located wit hin the splice consensus sequence. It has been identified in 3/4652 African chro mosomes by the Exome Aggregation Consortium (ExAC, g/; dbSNP rs141926228).

GeneDx
Classification: Benign. Last evaluated: 2015-07-22. Review status: criteria provided, single submitter. Criteria: GeneDx Variant Classification (06012015). Collection method: clinical testing. Allele origin: germline. Affected: yes.
Comment: This variant is considered likely benign or benign based on one or more of the following criteria: it is a conservative change, it occurs at a poorly conserved position in the protein, it is predicted to be benign by multiple in silico algorithms, and/or has population frequency not consistent with disease.

Breakthrough Genomics
Classification: Likely benign. Review status: criteria provided, single submitter. Criteria: ACMG Guidelines, 2015. Collection method: not provided. Allele origin: germline. Inheritance: Autosomal dominant inheritance. Affected: yes.

PreventionGenetics, part of Exact Sciences
Classification: Likely benign for LAMA4-related condition. Last evaluated: 2021-05-05. Review status: no assertion criteria provided. Collection method: clinical testing. Allele origin: germline. Not counted in ClinVar's aggregate classification.
Comment: This variant is classified as likely benign based on ACMG/AMP sequence variant interpretation guidelines (Richards et al. 2015 PMID: 25741868, with internal and published modifications).